The following is an entry in ClinVar:

ClinVar aggregate classification (germline): Pathogenic. Review status: criteria provided, multiple submitters, no conflicts (2 of 4 stars). 2 submissions from 2 submitters: Pathogenic (2). Last evaluated 2023-08-05.

Conditions:
Birt-Hogg-Dube syndrome. Also called: Birt Hogg Dubé syndrome. Identifiers: Orphanet 122, MedGen C0346010, MONDO:0800444.

Allele frequency attached by ClinVar (database versions not stated): gnomAD exomes below 0.00001.

Submissions (2):

Labcorp Genetics (formerly Invitae), Labcorp
Classification: Pathogenic for Birt-Hogg-Dube syndrome. Last evaluated: 2023-08-05. Review status: criteria provided, single submitter. Criteria: Invitae Variant Classification Sherloc (09022015). Collection method: clinical testing. Allele origin: germline.
Comment: This sequence change affects the initiator methionine of the FLCN mRNA. The next in-frame methionine is located at codon 54. For these reasons, this variant has been classified as Pathogenic. This variant disrupts a region of the FLCN protein in which other variant(s) (p.Cys11Trp) have been determined to be pathogenic (Invitae). This suggests that this is a clinically significant region of the protein, and that variants that disrupt it are likely to be disease-causing. ClinVar contains an entry for this variant (Variation ID: 1988393). Disruption of the initiator codon has been observed in individual(s) with clinical features of Birt-Hogg-Dubé syndrome and/or colorectal cancer (PMID: 17034545, 19801896, 22146830, 28944238). This variant is not present in population databases (gnomAD no frequency).

Myriad Genetics, Inc.
Classification: Pathogenic for Birt-Hogg-Dube syndrome 1. Last evaluated: 2023-07-06. Review status: criteria provided, single submitter. Criteria: Myriad Autosomal Dominant, Autosomal Recessive and X-Linked Classification Criteria (2023). Collection method: clinical testing. Allele origin: unknown.
Comment: This variant is considered pathogenic. This variant is located within the gene translation start codon (p.Met1?) and is predicted to result in abnormal protein translation. This variant has been reported in multiple individuals with clinical features of gene-specific disease [PMID: 22146830, 19802896, 17034545].

Literature cited by the submitters: PubMed 17034545 (cited by Labcorp Genetics (formerly Invitae), Labcorp and Myriad Genetics, Inc.); PubMed 19801896 (cited by Labcorp Genetics (formerly Invitae), Labcorp); PubMed 22146830 (cited by Labcorp Genetics (formerly Invitae), Labcorp and Myriad Genetics, Inc.); PubMed 28944238 (cited by Labcorp Genetics (formerly Invitae), Labcorp); PubMed 19802896 (cited by Myriad Genetics, Inc.).

NM_144997.7(FLCN):c.2T>C (p.Met1Thr)

Gene: FLCN (folliculin; minus strand). Cytogenetic location: 17p11.2.
Variant type: single nucleotide variant.
Coding change: c.2T>C on transcript NM_144997.7 (MANE Select); coding-DNA position 2, T replaced by C.
Protein change: p.Met1Thr; changes the start codon (methionine 1).
Molecular consequence: missense variant, initiator codon variant.
Genome position (GRCh38, 1-based): chr17:17,228,136, A>G on the plus strand (T>C on the coding strand, the complement: FLCN is on the minus strand). VCF-style: chr17-17228136-A-G. GRCh37 (hg19) VCF-style: chr17-17131450-A-G.
Other names: c.2T>C, p.Met1Thr (NM_001353229.2, NM_001353230.2, NM_001353231.2 and 1 more transcripts); short protein forms M1T.
Identifiers: ClinVar variation 1988393 (VCV001988393.6), dbSNP rs2544315808, ClinGen allele CA398535535.